The following is an entry in ClinVar:

NM_002618.4(PEX13):c.590G>A (p.Arg197Gln)

Gene: PEX13 (peroxisomal biogenesis factor 13; plus strand). Cytogenetic location: 2p15.
Variant type: single nucleotide variant.
Coding change: c.590G>A on transcript NM_002618.4 (MANE Select); coding-DNA position 590, G replaced by A.
Protein change: p.Arg197Gln; replaces arginine 197 with glutamine.
Molecular consequence: missense variant.
Genome position (GRCh38, 1-based): chr2:61,031,916, G>A. VCF-style: chr2-61031916-G-A. GRCh37 (hg19) VCF-style: chr2-61259051-G-A.
Other names: short protein forms R197Q.
Identifiers: ClinVar variation 2075903 (VCV002075903.1), dbSNP rs372891216, ClinGen allele CA1673318.

ClinVar aggregate classification (germline): Uncertain significance (1 of 4 stars; one submission).

Conditions:
Peroxisome biogenesis disorder 11A (Zellweger). Also called: Peroxisome biogenesis disorder 11A. Identifiers: Orphanet 912, MedGen C3554000, MONDO:0013949, OMIM 614883.

Allele frequency attached by ClinVar (database versions not stated): ExAC 0.00001; gnomAD exomes 0.00001; gnomAD 0.00002; TOPMed 0.00002; ESP Exome Variant Server 0.00008.
gnomAD v4.1: 12 of 1,613,888 alleles (0.00074%); highest among the groups gnomAD compares: African/African-American, 0.008%; no homozygotes.

Submission:

Labcorp Genetics (formerly Invitae), Labcorp
Classification: Uncertain significance for Peroxisome biogenesis disorder 11A (Zellweger). Last evaluated: 2022-07-04. Review status: criteria provided, single submitter. Criteria: Invitae Variant Classification Sherloc (09022015). Collection method: clinical testing. Allele origin: germline.
Comment: This sequence change replaces arginine, which is basic and polar, with glutamine, which is neutral and polar, at codon 197 of the PEX13 protein (p.Arg197Gln). This variant is present in population databases (rs372891216, gnomAD 0.007%). This variant has not been reported in the literature in individuals affected with PEX13-related conditions. Algorithms developed to predict the effect of missense changes on protein structure and function output the following: SIFT: "Tolerated"; PolyPhen-2: "Benign"; Align-GVGD: "Class C0". The glutamine amino acid residue is found in multiple mammalian species, which suggests that this missense change does not adversely affect protein function. In summary, the available evidence is currently insufficient to determine the role of this variant in disease. Therefore, it has been classified as a Variant of Uncertain Significance.